The following is an entry in ClinVar:

ClinVar aggregate classification (germline): Uncertain significance. Review status: reviewed by expert panel (3 of 4 stars). 8 submissions from 8 submitters: Uncertain significance (1). 7 of the submissions do not count toward it. Last evaluated 2020-01-26.

Conditions:
Phenylketonuria (PKU). Also called: Phenylketonuria (PKU); FOLLING DISEASE; OLIGOPHRENIA PHENYLPYRUVICA; Phenylketonurias. Identifiers: Orphanet 716, MedGen C0031485, MONDO:0009861, OMIM 261600. Disease mechanism: loss of function.

Allele frequency attached by ClinVar (database versions not stated): gnomAD 0.00001; TOPMed 0.00002; ExAC 0.00003; gnomAD exomes 0.00004 and 0.00001.
gnomAD v4.1: 13 of 1,612,328 alleles (0.00081%); highest among the groups gnomAD compares: Admixed American, 0.022%; no homozygotes.

Submissions (8):

ClinGen PAH Variant Curation Expert Panel
Classification: Uncertain significance for Phenylketonuria. Last evaluated: 2020-01-26. Review status: reviewed by expert panel. Criteria: ClinGen PAH ACMG Specifications v1. Collection method: curation. Allele origin: germline. Inheritance: Autosomal recessive inheritance.
Comment: The c.969+6T>A variant in PAH has been reported in 2 patients with benign HPA (BH4 deficiency excluded) (PP4_Moderate; PMID: 8659548, 24941924). It was detected with known pathogenic variant c.1162G>A, (p.Val388Met) (PMID: 24941924). This variant has a frequency of 0.00033 in Latino population, which is higher than our PM2 cut-off (0.0002). A deleterious effect is predicted in HSF and TraP. In summary, this variant meets criteria to be classified as uncertain significance for PAH. PAH-specific ACMG/AMP criteria applied: PP4_Moderate, PM3, PP3.

Labcorp Genetics (formerly Invitae), Labcorp
Classification: Pathogenic for Phenylketonuria. Last evaluated: 2026-01-24. Review status: criteria provided, single submitter. Criteria: Invitae Variant Classification Sherloc (09022015). Collection method: clinical testing. Allele origin: germline. Not counted in ClinVar's aggregate classification.
Comment: This sequence change falls in intron 9 of the PAH gene. It does not directly change the encoded amino acid sequence of the PAH protein. It affects a nucleotide within the consensus splice site. This variant is present in population databases (rs62517196, gnomAD 0.03%). This variant has been observed in individual(s) with PAH-related conditions (PMID: 24941924; internal data). In at least one individual the data is consistent with being in trans (on the opposite chromosome) from a pathogenic variant. ClinVar contains an entry for this variant (Variation ID: 102916). Variants that disrupt the consensus splice site are a relatively common cause of aberrant splicing (PMID: 17576681, 9536098). Algorithms developed to predict the effect of sequence changes on RNA splicing suggest that this variant may disrupt the consensus splice site. For these reasons, this variant has been classified as Pathogenic.

Women's Health and Genetics/Laboratory Corporation of America, LabCorp
Classification: Likely pathogenic for Phenylketonuria. Last evaluated: 2025-05-29. Review status: criteria provided, single submitter. Criteria: LabCorp Variant Classification Summary - May 2015. Collection method: clinical testing. Allele origin: germline. Not counted in ClinVar's aggregate classification.
Comment: Variant summary: PAH c.969+6T>A alters a conserved nucleotide located close to a canonical splice site and therefore could affect mRNA splicing, leading to a significantly altered protein sequence. Consensus agreement among computation tools predict no significant impact on normal splicing. However, these predictions have yet to be confirmed by functional studies. The variant allele was found at a frequency of 4.4e-05 in 251198 control chromosomes. This frequency is not significantly higher than estimated for a pathogenic variant in PAH causing Phenylalanine Hydroxylase Deficiency (Phenylketonuria) (4.4e-05 vs 0.0079), allowing no conclusion about variant significance. c.969+6T>A has been observed in individuals affected with PAH-related conditions (e.g., Guldberg_1996, Yang_2001, Vela-Amieva_2015, Adhikari_2020, Hillert_2020, Vela-Amieva_2021, internal data). These data indicate that the variant is likely to be associated with disease. To our knowledge, no experimental evidence demonstrating an impact on protein function has been reported. The following publications have been ascertained in the context of this evaluation (PMID: 8659548, 11385716, 24941924, 32778825, 32668217, 34828281). ClinVar contains an entry for this variant (Variation ID: 102916). Based on the evidence outlined above, the variant was classified as likely pathogenic.

Revvity Omics, Revvity
Classification: Likely pathogenic for Phenylketonuria. Last evaluated: 2024-02-23. Review status: criteria provided, single submitter. Criteria: ACMG Guidelines, 2015. Collection method: clinical testing. Allele origin: germline. Not counted in ClinVar's aggregate classification.

Baylor Genetics
Classification: Pathogenic for Phenylketonuria. Last evaluated: 2024-02-02. Review status: criteria provided, single submitter. Criteria: ACMG Guidelines, 2015. Collection method: clinical testing. Allele origin: unknown. Not counted in ClinVar's aggregate classification.

GeneDx
Classification: Uncertain significance. Last evaluated: 2023-12-28. Review status: criteria provided, single submitter. Criteria: GeneDx Variant Classification Process June 2021. Collection method: clinical testing. Allele origin: germline. Affected: yes. Not counted in ClinVar's aggregate classification.
Comment: In silico analysis supports a deleterious effect on splicing; This variant is associated with the following publications: (PMID: 32778825, 11385716, 24941924, 34828281, 32668217, Mendoza 2018[article], 8659548)

Counsyl
Classification: Uncertain significance for Phenylketonuria. Last evaluated: 2017-05-12. Review status: no assertion criteria provided. Collection method: clinical testing. Allele origin: unknown. Not counted in ClinVar's aggregate classification.

DeBelle Laboratory for Biochemical Genetics, MUHC/MCH RESEARCH INSTITUTE
No classification provided. Review status: no classification provided. Collection method: not provided. Allele origin: not provided. Not counted in ClinVar's aggregate classification.

Literature cited by the submitters: PubMed 8659548 (cited by 3 submitters); PubMed 24941924 (cited by 4 submitters); PubMed 11385716 (cited by 3 submitters); PubMed 17576681 (cited by Labcorp Genetics (formerly Invitae), Labcorp); PubMed 9536098 (cited by Labcorp Genetics (formerly Invitae), Labcorp); PubMed 32778825 (cited by Women's Health and Genetics/Laboratory Corporation of America, LabCorp); PubMed 32668217 (cited by Women's Health and Genetics/Laboratory Corporation of America, LabCorp); PubMed 34828281 (cited by Women's Health and Genetics/Laboratory Corporation of America, LabCorp).

NM_000277.3(PAH):c.969+6T>A

Gene: PAH (phenylalanine hydroxylase; minus strand). Cytogenetic location: 12q23.2.
Variant type: single nucleotide variant.
Coding change: c.969+6T>A on transcript NM_000277.3 (MANE Select); 6 bases into the intron after coding-DNA position 969, T replaced by A.
Molecular consequence: intron variant.
Genome position (GRCh38, 1-based): chr12:102,846,889, A>T on the plus strand (T>A on the coding strand, the complement: PAH is on the minus strand). VCF-style: chr12-102846889-A-T. GRCh37 (hg19) VCF-style: chr12-103240667-A-T.
Other names: c.969+6T>A (NM_001354304.2).
Identifiers: ClinVar variation 102916 (VCV000102916.22), dbSNP rs62517196, ClinGen allele CA229880.
Genomic context (GRCh38, chr12:102,846,889, plus strand): 5'-TTTCAAAGACCTGAGGGCCATAGCCTATAGCACTCCACCATCCACCCAGGGAGAGAAGGG[A>T]CTTACTGTGGCGAGCTTTTCAATGTATTCATCAGGTGCACCCAGAGAGGCAAGGCCAATT-3'